The following is an entry in ClinVar:

ClinVar aggregate classification (germline): Uncertain significance (1 of 4 stars; one submission).

Conditions:
Oculodentodigital dysplasia, autosomal recessive. Also called: OCULODENTOOSSEOUS DYSPLASIA, AUTOSOMAL RECESSIVE; ODDD, AUTOSOMAL RECESSIVE; ODOD, AUTOSOMAL RECESSIVE. Identifiers: Orphanet 2710, MedGen C2749477, MONDO:0009768, OMIM 257850.

Allele frequency attached by ClinVar (database versions not stated): gnomAD exomes below 0.00001; gnomAD 0.00001.
gnomAD v4.1: 2 of 1,614,006 alleles (0.00012%); highest among the groups gnomAD compares: East Asian, 0.0022%; no homozygotes.

Submission:

Labcorp Genetics (formerly Invitae), Labcorp
Classification: Uncertain significance for Oculodentodigital dysplasia, autosomal recessive. Last evaluated: 2023-03-21. Review status: criteria provided, single submitter. Criteria: Invitae Variant Classification Sherloc (09022015). Collection method: clinical testing. Allele origin: germline.
Comment: In summary, the available evidence is currently insufficient to determine the role of this variant in disease. Therefore, it has been classified as a Variant of Uncertain Significance. Advanced modeling of protein sequence and biophysical properties (such as structural, functional, and spatial information, amino acid conservation, physicochemical variation, residue mobility, and thermodynamic stability) performed at Invitae indicates that this missense variant is not expected to disrupt GJA1 protein function. This variant has not been reported in the literature in individuals affected with GJA1-related conditions. This variant is present in population databases (no rsID available, gnomAD 0.0009%). This sequence change replaces lysine, which is basic and polar, with arginine, which is basic and polar, at codon 303 of the GJA1 protein (p.Lys303Arg).

NM_000165.5(GJA1):c.908A>G (p.Lys303Arg)

Gene: GJA1 (gap junction protein alpha 1; plus strand). Cytogenetic location: 6q22.31.
Variant type: single nucleotide variant.
Coding change: c.908A>G on transcript NM_000165.5 (MANE Select); coding-DNA position 908, A replaced by G.
Protein change: p.Lys303Arg; replaces lysine 303 with arginine.
Molecular consequence: missense variant.
Genome position (GRCh38, 1-based): chr6:121,447,755, A>G. VCF-style: chr6-121447755-A-G. GRCh37 (hg19) VCF-style: chr6-121768901-A-G.
Other names: short protein forms K303R.
Identifiers: ClinVar variation 2848337 (VCV002848337.3), dbSNP rs1452585874, ClinGen allele CA365560034.
Genomic context (GRCh38, chr6:121,447,755, plus strand): 5'-CTCCTGGGTACAAGCTGGTTACTGGCGACAGAAACAATTCTTCTTGCCGCAATTACAACA[A>G]GCAAGCAAGTGAGCAAAACTGGGCTAATTACAGTGCAGAACAAAATCGAATGGGGCAGGC-3'
Protein context (NP_000156.1, residues 293-313): RNNSSCRNYN[Lys303Arg]QASEQNWANY